The following is an entry in ClinVar:

ClinVar aggregate classification (germline): Likely benign. Review status: criteria provided, multiple submitters, no conflicts (2 of 4 stars). 2 submissions from 2 submitters: Likely benign (2). Last evaluated 2024-08-01.

Conditions:
Cohen syndrome (COH1). Also called: Cutis verticis gyrata, retinitis pigmentosa, and sensorineural deafness; PEPPER SYNDROME. Identifiers: Orphanet 193, MedGen C0265223, MONDO:0008999, OMIM 216550.

Submissions (2):

CeGaT Center for Human Genetics Tuebingen
Classification: Likely benign. Last evaluated: 2024-08-01. Review status: criteria provided, single submitter. Criteria: CeGaT Center For Human Genetics Tuebingen Variant Classification Criteria Version 2. Collection method: clinical testing. Allele origin: germline. Affected: yes. Observed: 1 variant allele.
Comment: VPS13B: PM2:Supporting, BP4, BP7

Labcorp Genetics (formerly Invitae), Labcorp
Classification: Likely benign for Cohen syndrome. Last evaluated: 2023-05-19. Review status: criteria provided, single submitter. Criteria: Invitae Variant Classification Sherloc (09022015). Collection method: clinical testing. Allele origin: germline.

NM_152564.5(VPS13B):c.6165A>G (p.Glu2055=)

Gene: VPS13B (vacuolar protein sorting 13 homolog B; plus strand). Cytogenetic location: 8q22.2.
Variant type: single nucleotide variant.
Coding change: c.6165A>G on transcript NM_152564.5 (MANE Select); coding-DNA position 6165, A replaced by G.
Protein change: p.Glu2055=; no amino-acid change (glutamic acid 2055 retained).
Molecular consequence: synonymous variant.
Genome position (GRCh38, 1-based): chr8:99,699,643, A>G. VCF-style: chr8-99699643-A-G. GRCh37 (hg19) VCF-style: chr8-100711871-A-G.
Other names: c.6240A>G, p.Glu2080= (NM_017890.5).
Identifiers: ClinVar variation 2082169 (VCV002082169.20), dbSNP rs2491483879, ClinGen allele CA462448696.
Genomic context (GRCh38, chr8:99,699,643, plus strand): 5'-GGATCAGATAAACCTTTTTTTAAAGAAGATAAAAAATGCACACAGTTTGGCACATAGTGA[A>G]GAGACTTCAGCCATGTCCAACACCATGGTGAATAAGGATGATCTTCCAGTCTCCAAATAT-3'
Protein context (NP_689777.3, residues 2045-2065): IKNAHSLAHS[Glu2055=]ETSAMSNTMV